The following is an entry in ClinVar:

NM_018668.5(VPS33B):c.893_894del (p.Phe298fs)

Gene: VPS33B (VPS33B late endosome and lysosome associated; minus strand). Cytogenetic location: 15q26.1.
Variant type: Deletion.
Coding change: c.893_894del on transcript NM_018668.5 (MANE Select); coding-DNA positions 893 to 894, 2 bases deleted (TT; older notation c.893_894delTT).
Protein change: p.Phe298fs; shifts the reading frame from phenylalanine 298.
Molecular consequence: frameshift variant.
Genome position (GRCh38, 1-based): chr15:91,006,018-91,006,019, AA deleted on the plus strand (TT on the coding strand, the reverse complement: VPS33B is on the minus strand); deleting any 2 consecutive bases within chr15:91,006,018-91,006,020 gives the same sequence; the c. name uses the placement nearest the transcript's 3' end. VCF-style (leftmost placement, unchanged base first): chr15-91006017-CAA-C. GRCh37 (hg19) VCF-style: chr15-91549247-CAA-C.
Other names: c.812_813del, p.Phe271fs (NM_001289148.1); c.620_621del, p.Phe207fs (NM_001289149.1); c.893_894delTT (NM_018668.4); short protein forms F207fs, F271fs, F298fs.
Identifiers: ClinVar variation 3355223 (VCV003355223.1).

ClinVar aggregate classification (germline): Likely pathogenic (0 of 4 stars; one submission).

Conditions:
VPS33B-related disorder. Also called: VPS33B-related condition.

Submission:

PreventionGenetics, part of Exact Sciences
Classification: Likely pathogenic for VPS33B-related condition. Last evaluated: 2024-05-16. Review status: no assertion criteria provided. Collection method: clinical testing. Allele origin: germline.
Comment: The VPS33B c.893_894delTT variant is predicted to result in a frameshift and premature protein termination (p.Phe298Trpfs*15). To our knowledge, this variant has not been reported in the literature or in a large population database, indicating this variant is rare. Frameshift variants in VPS33B are expected to be pathogenic. This variant is interpreted as likely pathogenic.